The following is an entry in ClinVar:

ClinVar aggregate classification (germline): Uncertain significance (1 of 4 stars; one submission).

Conditions:
Inborn genetic diseases. Identifiers: MedGen C0950123, MeSH D030342.

Submission:

Ambry Genetics
Classification: Uncertain significance for Inborn genetic diseases. Last evaluated: 2025-02-09. Review status: criteria provided, single submitter. Criteria: Ambry Variant Classification Scheme 2023. Collection method: clinical testing. Allele origin: germline.
Comment: The p.P363T variant (also known as c.1087C>A), located in coding exon 8 of the DNMT3A gene, results from a C to A substitution at nucleotide position 1087. The proline at codon 363 is replaced by threonine, an amino acid with highly similar properties. This amino acid position is conserved. In addition, the in silico prediction for this alteration is inconclusive. Based on the available evidence, the clinical significance of this variant remains unclear.

NM_022552.5(DNMT3A):c.1087C>A (p.Pro363Thr)

Gene: DNMT3A (DNA methyltransferase 3 alpha; minus strand). Cytogenetic location: 2p23.3.
Variant type: single nucleotide variant.
Coding change: c.1087C>A on transcript NM_022552.5 (MANE Select); coding-DNA position 1087, C replaced by A.
Protein change: p.Pro363Thr; replaces proline 363 with threonine.
Molecular consequence: missense variant. On other transcripts: non-coding transcript variant (1).
Genome position (GRCh38, 1-based): chr2:25,247,086, G>T on the plus strand (C>A on the coding strand, the complement: DNMT3A is on the minus strand). VCF-style: chr2-25247086-G-T. GRCh37 (hg19) VCF-style: chr2-25469955-G-T.
Other names: c.631C>A, p.Pro211Thr (NM_001320893.1); c.418C>A, p.Pro140Thr (NM_001375819.1); c.520C>A, p.Pro174Thr (NM_153759.3); c.1087C>A, p.Pro363Thr (NM_175629.2); short protein forms P174T, P211T, P140T, P363T.
Identifiers: ClinVar variation 3841790 (VCV003841790.1).